The following is an entry in ClinVar:

NM_004522.3(KIF5C):c.2571C>G (p.Asp857Glu)

Gene: KIF5C (kinesin family member 5C; plus strand). Cytogenetic location: 2q23.2.
Variant type: single nucleotide variant.
Coding change: c.2571C>G on transcript NM_004522.3 (MANE Select); coding-DNA position 2571, C replaced by G.
Protein change: p.Asp857Glu; replaces aspartic acid 857 with glutamic acid.
Molecular consequence: missense variant. On other transcripts: non-coding transcript variant (1).
Genome position (GRCh38, 1-based): chr2:149,010,155, C>G. VCF-style: chr2-149010155-C-G. GRCh37 (hg19) VCF-style: chr2-149866669-C-G.
Other names: short protein forms D857E.
Identifiers: ClinVar variation 5021010 (VCV005021010.1).
Genomic context (GRCh38, chr2:149,010,155, plus strand): 5'-TGCCTGGTAGTAACTCCCTTCCTTTATCCTCCTGCCCCAGCTGGTCCGGGACAACGCAGA[C>G]CTGCGCTGTGAACTGCCCAAGCTGGAGAAGCGGCTGCGTGCCACGGCGGAGCGCGTCAAG-3'
Protein context (NP_004513.1, residues 847-867): VHKQLVRDNA[Asp857Glu]LRCELPKLEK

ClinVar aggregate classification (germline): Uncertain significance (1 of 4 stars; one submission).

Submission:

Dasa
Classification: Uncertain significance. Last evaluated: 2025-01-25. Review status: criteria provided, single submitter. Criteria: DASA Assertion Criteria. Collection method: clinical testing. Allele origin: germline.
Comment: NM_004522.3(KIF5C):c.2571C>G (p.Asp857Glu) is a missense variant that results in the substitution of aspartic acid with glutamic acid. This variant is absent from population databases. Computational prediction algorithms are consistent with a benign effect. The currently available literature and clinical evidence are not sufficient to establish a definitive association between this variant and the reported condition. Therefore, this variant is classified as a variant of uncertain significance.